The following is an entry in ClinVar:

ClinVar aggregate classification (germline): Uncertain significance (1 of 4 stars; one submission).

gnomAD v4.1: 6 of 1,460,182 alleles (0.00041%); highest among the groups gnomAD compares: African/African-American, 0.003%; no homozygotes.

Submission:

Kariminejad - Najmabadi Pathology & Genetics Center
Classification: Uncertain significance. Last evaluated: 2018-06-21. Review status: criteria provided, single submitter. Criteria: ACMG Guidelines, 2015. Collection method: clinical testing. Allele origin: germline. Inheritance: Autosomal dominant inheritance. Affected: yes.
Comment: PM2

NM_001127222.2(CACNA1A):c.7015C>T (p.Arg2339Trp)

Gene: CACNA1A (calcium voltage-gated channel subunit alpha1 A; minus strand). Cytogenetic location: 19p13.13.
Variant type: single nucleotide variant.
Coding change: c.7015C>T on transcript NM_001127222.2 (MANE Select); coding-DNA position 7015, C replaced by T.
Protein change: p.Arg2339Trp; replaces arginine 2339 with tryptophan.
Molecular consequence: missense variant. On other transcripts: 3 prime UTR variant (3).
Genome position (GRCh38, 1-based): chr19:13,207,819, G>A on the plus strand (C>T on the coding strand, the complement: CACNA1A is on the minus strand). VCF-style: chr19-13207819-G-A. GRCh37 (hg19) VCF-style: chr19-13318633-G-A.
Other names: c.*227C>T (NM_000068.4, NM_001127221.2, NM_001174080.2); c.7033C>T, p.Arg2345Trp (NM_023035.3); short protein forms R2339W, R2345W.
Identifiers: ClinVar variation 3896787 (VCV003896787.1).